The following is an entry in ClinVar:

NM_000426.4(LAMA2):c.396+1G>A

Gene: LAMA2 (laminin subunit alpha 2; plus strand). Cytogenetic location: 6q22.33.
Variant type: single nucleotide variant.
Coding change: c.396+1G>A on transcript NM_000426.4 (MANE Select); the canonical splice donor site of the intron after coding-DNA position 396, G replaced by A.
Molecular consequence: splice donor variant.
Genome position (GRCh38, 1-based): chr6:129,059,897, G>A. VCF-style: chr6-129059897-G-A. GRCh37 (hg19) VCF-style: chr6-129381042-G-A.
Other names: c.396+1G>A (NM_001079823.2).
Identifiers: ClinVar variation 2073634 (VCV002073634.4), dbSNP rs770617208, ClinGen allele CA365829022.

ClinVar aggregate classification (germline): Pathogenic (1 of 4 stars; one submission).

Conditions:
LAMA2-related muscular dystrophy (LAMA2-RD). Also called: Laminin alpha 2-related dystrophy. Identifiers: MedGen C5679788, MONDO:0100228.

Submission:

Labcorp Genetics (formerly Invitae), Labcorp
Classification: Pathogenic for LAMA2-related muscular dystrophy. Last evaluated: 2022-06-07. Review status: criteria provided, single submitter. Criteria: Invitae Variant Classification Sherloc (09022015). Collection method: clinical testing. Allele origin: germline.
Comment: Disruption of this splice site has been observed in individual(s) with congenital muscular dystrophy (PMID: 30055037). In at least one individual the data is consistent with being in trans (on the opposite chromosome) from a pathogenic variant. Algorithms developed to predict the effect of sequence changes on RNA splicing suggest that this variant may disrupt the consensus splice site. For these reasons, this variant has been classified as Pathogenic. This variant is not present in population databases (gnomAD no frequency). This sequence change affects a donor splice site in intron 3 of the LAMA2 gene. It is expected to disrupt RNA splicing. Variants that disrupt the donor or acceptor splice site typically lead to a loss of protein function (PMID: 16199547), and loss-of-function variants in LAMA2 are known to be pathogenic (PMID: 18700894, 32904964).

Literature cited by the submitters: PubMed 30055037; PubMed 16199547; PubMed 18700894; PubMed 32904964.